The following is an entry in ClinVar:

ClinVar aggregate classification (germline): Uncertain significance (1 of 4 stars; one submission).

Conditions:
Tuberous sclerosis 1 (TSC1). Identifiers: Orphanet 805, MedGen C1854465, MONDO:0008612, OMIM 191100.

Submission:

Labcorp Genetics (formerly Invitae), Labcorp
Classification: Uncertain significance for Tuberous sclerosis 1. Last evaluated: 2023-12-11. Review status: criteria provided, single submitter. Criteria: Invitae Variant Classification Sherloc (09022015). Collection method: clinical testing. Allele origin: germline.
Comment: This sequence change replaces alanine, which is neutral and non-polar, with glycine, which is neutral and non-polar, at codon 616 of the TSC1 protein (p.Ala616Gly). This variant is not present in population databases (gnomAD no frequency). This variant has not been reported in the literature in individuals affected with TSC1-related conditions. Advanced modeling of protein sequence and biophysical properties (such as structural, functional, and spatial information, amino acid conservation, physicochemical variation, residue mobility, and thermodynamic stability) performed at Invitae indicates that this missense variant is not expected to disrupt TSC1 protein function with a negative predictive value of 95%. In summary, the available evidence is currently insufficient to determine the role of this variant in disease. Therefore, it has been classified as a Variant of Uncertain Significance.

NM_000368.5(TSC1):c.1847C>G (p.Ala616Gly)

Gene: TSC1 (TSC complex subunit 1; minus strand). Cytogenetic location: 9q34.13.
Variant type: single nucleotide variant.
Coding change: c.1847C>G on transcript NM_000368.5 (MANE Select); coding-DNA position 1847, C replaced by G.
Protein change: p.Ala616Gly; replaces alanine 616 with glycine.
Molecular consequence: missense variant. On other transcripts: non-coding transcript variant (5).
Genome position (GRCh38, 1-based): chr9:132,905,731, G>C on the plus strand (C>G on the coding strand, the complement: TSC1 is on the minus strand). VCF-style: chr9-132905731-G-C. GRCh37 (hg19) VCF-style: chr9-135781118-G-C.
Other names: c.1691C>G, p.Ala564Gly (NM_001406611.1, NM_001406612.1, NM_001406613.1); c.1484C>G, p.Ala495Gly (NM_001406614.1, NM_001406615.1, NM_001406616.1 and 5 more transcripts); c.1481C>G, p.Ala494Gly (NM_001406620.1, NM_001406621.1, NM_001406622.1 and 2 more transcripts); c.1844C>G, p.Ala615Gly (NM_001162426.2, NM_001406597.1, NM_001406598.1 and 6 more transcripts); c.1694C>G, p.Ala565Gly (NM_001162427.2, NM_001406610.1); c.1847C>G, p.Ala616Gly (NM_001406592.1, NM_001406593.1, NM_001406594.1 and 7 more transcripts); c.896C>G, p.Ala299Gly (NM_001406626.1); c.893C>G, p.Ala298Gly (NM_001406627.1, NM_001406628.1); and 1 more; short protein forms A564G, A565G, A265G, A298G, A615G, A495G, A299G, A494G.
Identifiers: ClinVar variation 2733414 (VCV002733414.3), dbSNP rs2131819098, ClinGen allele CA375363159.
Genomic context (GRCh38, chr9:132,905,731, plus strand): 5'-TCTGTGTTTCCTTTTGCTTTCTTTAACAGCTCCTCAGTCTTCCTGATGACAAAATGATGG[G>C]CTGTCTTTGGCAATGCCACCTCAAAAAGATGATCATACGGGGGAGGCTGCCCGCTTCCAA-3'
Protein context (NP_000359.1, residues 606-626): HLFEVALPKT[Ala616Gly]HHFVIRKTEE